The following is an entry in ClinVar:

NM_014991.6(WDFY3):c.1439T>C (p.Ile480Thr)

Gene: WDFY3 (WD repeat and FYVE domain containing 3; minus strand). Cytogenetic location: 4q21.23.
Variant type: single nucleotide variant.
Coding change: c.1439T>C on transcript NM_014991.6 (MANE Select); coding-DNA position 1439, T replaced by C.
Protein change: p.Ile480Thr; replaces isoleucine 480 with threonine.
Molecular consequence: missense variant.
Genome position (GRCh38, 1-based): chr4:84,821,236, A>G on the plus strand (T>C on the coding strand, the complement: WDFY3 is on the minus strand). VCF-style: chr4-84821236-A-G. GRCh37 (hg19) VCF-style: chr4-85742389-A-G.
Other names: short protein forms I480T.
Identifiers: ClinVar variation 5017797 (VCV005017797.1).
Genomic context (GRCh38, chr4:84,821,236, plus strand): 5'-AACACGTCTTTAAATATGTAGTCATGTCTTGTAAACTTAAGAAGTGTTTTCATTGCAATA[A>G]TGCTACAGTGATAAGAAGAGCTAGATTTTAAGAGGATACTGACACTAATAAGTTCTTTAC-3'
Protein context (NP_055806.2, residues 470-490): LKSSSSYHCS[Ile480Thr]IAMKTLLKFT

ClinVar aggregate classification (germline): Uncertain significance (1 of 4 stars; one submission).

Submission:

GeneDx
Classification: Uncertain significance. Last evaluated: 2026-03-31. Review status: criteria provided, single submitter. Criteria: GeneDx Variant Classification Process June 2021. Collection method: clinical testing. Allele origin: germline.
Comment: Not observed at significant frequency in large population cohorts (gnomAD); In silico analysis supports that this missense variant has a deleterious effect on protein structure/function; Has not been previously published as pathogenic or benign to our knowledge